The following is an entry in ClinVar:

ClinVar aggregate classification (germline): Uncertain significance (1 of 4 stars; one submission).

Conditions:
Hereditary cancer-predisposing syndrome. Also called: Neoplastic Syndromes, Hereditary; Tumor predisposition; Hereditary Cancer Syndrome; Hereditary neoplastic syndrome. Identifiers: Orphanet 140162, MedGen C0027672, MeSH D009386, MONDO:0015356.

Submission:

Ambry Genetics
Classification: Uncertain significance for Hereditary cancer-predisposing syndrome. Last evaluated: 2024-12-10. Review status: criteria provided, single submitter. Criteria: Ambry Variant Classification Scheme 2023. Collection method: clinical testing. Allele origin: germline.
Comment: The p.G1395W variant (also known as c.4183G>T), located in coding exon 23 of the PTCH1 gene, results from a G to T substitution at nucleotide position 4183. The glycine at codon 1395 is replaced by tryptophan, an amino acid with highly dissimilar properties. This amino acid position is conserved. In addition, the in silico prediction for this alteration is inconclusive. Based on the available evidence, the clinical significance of this variant remains unclear.

NM_000264.5(PTCH1):c.4183G>T (p.Gly1395Trp)

Gene: PTCH1 (patched 1; minus strand). Cytogenetic location: 9q22.32.
Variant type: single nucleotide variant.
Coding change: c.4183G>T on transcript NM_000264.5 (MANE Select); coding-DNA position 4183, G replaced by T.
Protein change: p.Gly1395Trp; replaces glycine 1395 with tryptophan.
Molecular consequence: missense variant. On other transcripts: non-coding transcript variant (1).
Genome position (GRCh38, 1-based): chr9:95,447,073, C>A on the plus strand (G>T on the coding strand, the complement: PTCH1 is on the minus strand). VCF-style: chr9-95447073-C-A. GRCh37 (hg19) VCF-style: chr9-98209355-C-A.
Other names: c.3985G>T, p.Gly1329Trp (NM_001083602.3); c.4180G>T, p.Gly1394Trp (NM_001083603.3); c.3730G>T, p.Gly1244Trp (NM_001083604.3, NM_001083605.3, NM_001083606.3 and 1 more transcripts); c.4027G>T, p.Gly1343Trp (NM_001354918.2); short protein forms G1244W, G1395W, G1343W, G1329W, G1394W.
Identifiers: ClinVar variation 3427348 (VCV003427348.1).